The following is an entry in ClinVar:

NM_005458.8(GABBR2):c.1241A>C (p.Gln414Pro)

Gene: GABBR2 (gamma-aminobutyric acid type B receptor subunit 2; minus strand). Cytogenetic location: 9q22.33.
Variant type: single nucleotide variant.
Coding change: c.1241A>C on transcript NM_005458.8 (MANE Select); coding-DNA position 1241, A replaced by C.
Protein change: p.Gln414Pro; replaces glutamine 414 with proline.
Molecular consequence: missense variant.
Genome position (GRCh38, 1-based): chr9:98,406,137, T>G on the plus strand (A>C on the coding strand, the complement: GABBR2 is on the minus strand). VCF-style: chr9-98406137-T-G. GRCh37 (hg19) VCF-style: chr9-101168419-T-G.
Other names: short protein forms Q414P.
Identifiers: ClinVar variation 2499194 (VCV002499194.1), dbSNP rs1588144204, ClinGen allele CA374213172.

ClinVar aggregate classification (germline): Uncertain significance (1 of 4 stars; one submission).

Submission:

GeneDx
Classification: Uncertain significance. Last evaluated: 2022-10-13. Review status: criteria provided, single submitter. Criteria: GeneDx Variant Classification Process June 2021. Collection method: clinical testing. Allele origin: germline. Affected: yes.
Comment: Not observed at significant frequency in large population cohorts (gnomAD); In silico analysis supports that this missense variant does not alter protein structure/function; Has not been previously published as pathogenic or benign to our knowledge